The following is an entry in ClinVar:

ClinVar aggregate classification (germline): Benign. Review status: criteria provided, multiple submitters, no conflicts (2 of 4 stars). 3 submissions from 3 submitters: Benign (2). 1 of the submissions does not count toward it. Last evaluated 2018-07-23.

Conditions:
PARD3-related disorder. Also called: PARD3-related condition.

Allele frequency attached by ClinVar (database versions not stated): ExAC 0.00359; TOPMed 0.01164; ESP Exome Variant Server 0.01215; 1000 Genomes Project 0.01358; 1000 Genomes Project 30x 0.01483.
gnomAD v4.1: 3,429 of 1,614,184 alleles (0.21%); highest among the groups gnomAD compares: African/African-American, 3.6%; 54 homozygotes.

Submissions (3):

Labcorp Genetics (formerly Invitae), Labcorp
Classification: Benign. Last evaluated: 2018-07-23. Review status: criteria provided, single submitter. Criteria: Invitae Variant Classification Sherloc (09022015). Collection method: clinical testing. Allele origin: germline.

Breakthrough Genomics
Classification: Benign. Review status: criteria provided, single submitter. Criteria: ACMG Guidelines, 2015. Collection method: not provided. Allele origin: germline. Inheritance: Unknown mechanism. Affected: yes.

PreventionGenetics, part of Exact Sciences
Classification: Benign for PARD3-related condition. Last evaluated: 2019-03-25. Review status: no assertion criteria provided. Collection method: clinical testing. Allele origin: germline. Not counted in ClinVar's aggregate classification.
Comment: This variant is classified as benign based on ACMG/AMP sequence variant interpretation guidelines (Richards et al. 2015 PMID: 25741868, with internal and published modifications).

NM_001184785.2(PARD3):c.321G>C (p.Glu107Asp)

Gene: PARD3 (par-3 family cell polarity regulator; minus strand). Cytogenetic location: 10p11.21.
Variant type: single nucleotide variant.
Coding change: c.321G>C on transcript NM_001184785.2 (MANE Select); coding-DNA position 321, G replaced by C.
Protein change: p.Glu107Asp; replaces glutamic acid 107 with aspartic acid.
Molecular consequence: missense variant.
Genome position (GRCh38, 1-based): chr10:34,517,061, C>G on the plus strand (G>C on the coding strand, the complement: PARD3 is on the minus strand). VCF-style: chr10-34517061-C-G. GRCh37 (hg19) VCF-style: chr10-34805989-C-G.
Other names: c.321G>C, p.Glu107Asp (NM_001184786.2, NM_001184787.2, NM_001184788.2 and 7 more transcripts); short protein forms E107D.
Identifiers: ClinVar variation 709694 (VCV000709694.6), dbSNP rs1436731, ClinGen allele CA5468211.